The following is an entry in ClinVar:

NM_000551.4(VHL):c.259_260del (p.Val87fs)

Gene: VHL (von Hippel-Lindau tumor suppressor; plus strand). Cytogenetic location: 3p25.3.
Variant type: Deletion.
Coding change: c.259_260del on transcript NM_000551.4 (MANE Select); coding-DNA positions 259 to 260, 2 bases deleted (GT; older notation c.259_260delGT).
Protein change: p.Val87fs; shifts the reading frame from valine 87.
Molecular consequence: frameshift variant. On other transcripts: non-coding transcript variant (1).
Genome position (GRCh38, 1-based): chr3:10,142,106-10,142,107, GT deleted. VCF-style (leftmost placement, unchanged base first): chr3-10142105-CGT-C. GRCh37 (hg19) VCF-style: chr3-10183789-CGT-C.
Other names: c.259_260del, p.Val87fs (NM_001354723.2, NM_198156.3); short protein forms V87fs.
Identifiers: ClinVar variation 2674005 (VCV002674005.1), dbSNP rs2470158319, ClinGen allele CA2695197690.

ClinVar aggregate classification (germline): Pathogenic (1 of 4 stars; one submission).

Conditions:
Von Hippel-Lindau syndrome (VHLS). Also called: Von Hippel-Lindau; von Hippel–Lindau syndrome; VHL syndrome. Identifiers: Orphanet 892, MedGen C0019562, MONDO:0008667, OMIM 193300. Disease mechanism: loss of function.

Submission:

Myriad Genetics, Inc.
Classification: Pathogenic for Von Hippel-Lindau syndrome. Last evaluated: 2023-11-09. Review status: criteria provided, single submitter. Criteria: Myriad Autosomal Dominant, Autosomal Recessive and X-Linked Classification Criteria (2023). Collection method: clinical testing. Allele origin: unknown.
Comment: This variant is considered pathogenic. This variant creates a frameshift predicted to result in premature protein truncation.